The following is an entry in ClinVar:

ClinVar aggregate classification (germline): Uncertain significance (1 of 4 stars; one submission).

Submission:

Ambry Genetics
Classification: Uncertain significance. Last evaluated: 2025-06-27. Review status: criteria provided, single submitter. Criteria: Ambry Variant Classification Scheme 2023. Collection method: clinical testing. Allele origin: germline.
Comment: The p.L563P variant (also known as c.1688T>C), located in coding exon 13 of the GEN1 gene, results from a T to C substitution at nucleotide position 1688. The leucine at codon 563 is replaced by proline, an amino acid with similar properties. This amino acid position is conserved. In addition, this alteration is predicted to be tolerated by in silico analysis. Based on the available evidence, the clinical significance of this variant remains unclear.

NM_001130009.3(GEN1):c.1688T>C (p.Leu563Pro)

Gene: GEN1 (GEN1 Holliday junction 5' flap endonuclease; plus strand). Cytogenetic location: 2p24.2.
Variant type: single nucleotide variant.
Coding change: c.1688T>C on transcript NM_001130009.3 (MANE Select); coding-DNA position 1688, T replaced by C.
Protein change: p.Leu563Pro; replaces leucine 563 with proline.
Molecular consequence: missense variant.
Genome position (GRCh38, 1-based): chr2:17,780,900, T>C. VCF-style: chr2-17780900-T-C. GRCh37 (hg19) VCF-style: chr2-17962167-T-C.
Other names: c.1688T>C, p.Leu563Pro (NM_182625.5); short protein forms L563P.
Identifiers: ClinVar variation 4262996 (VCV004262996.1).